The following is an entry in ClinVar:

ClinVar aggregate classification (germline): Uncertain significance (1 of 4 stars; one submission).

Submission:

Ambry Genetics
Classification: Uncertain significance. Last evaluated: 2023-05-23. Review status: criteria provided, single submitter. Criteria: Ambry Variant Classification Scheme 2023. Collection method: clinical testing. Allele origin: germline.
Comment: The p.N803D variant (also known as c.2407A>G), located in coding exon 15 of the POLQ gene, results from an A to G substitution at nucleotide position 2407. The asparagine at codon 803 is replaced by aspartic acid, an amino acid with highly similar properties. This amino acid position is conserved. In addition, this alteration is predicted to be tolerated by in silico analysis. Since supporting evidence is limited at this time, the clinical significance of this alteration remains unclear.

NM_199420.4(POLQ):c.2407A>G (p.Asn803Asp)

Gene: POLQ (DNA polymerase theta; minus strand). Cytogenetic location: 3q13.33.
Variant type: single nucleotide variant.
Coding change: c.2407A>G on transcript NM_199420.4 (MANE Select); coding-DNA position 2407, A replaced by G.
Protein change: p.Asn803Asp; replaces asparagine 803 with aspartic acid.
Molecular consequence: missense variant.
Genome position (GRCh38, 1-based): chr3:121,493,593, T>C on the plus strand (A>G on the coding strand, the complement: POLQ is on the minus strand). VCF-style: chr3-121493593-T-C. GRCh37 (hg19) VCF-style: chr3-121212440-T-C.
Other names: short protein forms N803D.
Identifiers: ClinVar variation 2563862 (VCV002563862.2), dbSNP rs2546790744, ClinGen allele CA354107868.